The following is an entry in ClinVar:

NM_018139.3(DNAAF2):c.588dup (p.Glu197fs)

Gene: DNAAF2 (dynein axonemal assembly factor 2; minus strand). Cytogenetic location: 14q21.3.
Variant type: Duplication.
Coding change: c.588dup on transcript NM_018139.3 (MANE Select); coding-DNA position 588, one base duplicated (A; older notation c.588dupA).
Protein change: p.Glu197fs; shifts the reading frame from glutamic acid 197.
Molecular consequence: frameshift variant.
Genome position (GRCh38, 1-based): chr14:49,634,562, T duplicated on the plus strand (A on the coding strand, the reverse complement: DNAAF2 is on the minus strand). VCF-style (leftmost placement, unchanged base first): chr14-49634561-C-CT. GRCh37 (hg19) VCF-style: chr14-50101279-C-CT.
Other names: c.588dup, p.Glu197fs (NM_001083908.2); short protein forms E197fs.
Identifiers: ClinVar variation 5020021 (VCV005020021.2).

ClinVar aggregate classification (germline): Likely pathogenic (1 of 4 stars; one submission).

Conditions:
Primary ciliary dyskinesia 10. Also called: CILIARY DYSKINESIA, PRIMARY, 10, WITH OR WITHOUT SITUS INVERSUS. Identifiers: Orphanet 244, MedGen C2675867, MONDO:0012918, OMIM 612518.

Submission:

Juno Genomics, Hangzhou Juno Genomics, Inc
Classification: Likely pathogenic for Primary ciliary dyskinesia 10. Review status: criteria provided, single submitter. Criteria: ACMG Guidelines, 2015. Collection method: clinical testing. Allele origin: germline.
Comment: Absent from controls (or at extremely low frequency if recessive) in Genome Aggregation Database.;Null variant in a gene where loss of function (LOF) is a known mechanism of disease.